The following is an entry in ClinVar:

ClinVar aggregate classification (germline): Uncertain significance. Review status: criteria provided, multiple submitters, no conflicts (2 of 4 stars). 8 submissions from 8 submitters: Uncertain significance (5). 3 of the submissions do not count toward it. Last evaluated 2024-11-25.

Conditions:
MHC class II deficiency. Also called: Bare lymphocyte syndrome 2; BLS, TYPE II. Identifiers: Orphanet 572, MedGen C5447452, MONDO:0008855.

Allele frequency attached by ClinVar (database versions not stated): gnomAD exomes 0.00041; gnomAD 0.00042 and 0.00044; TOPMed 0.00045; ExAC 0.00050; ESP Exome Variant Server 0.00054.
gnomAD v4.1: 630 of 1,607,962 alleles (0.039%); highest among the groups gnomAD compares: Non-Finnish European, 0.049%; 1 homozygote.

Submissions (8):

Blueprint Genetics
Classification: Uncertain significance. Last evaluated: 2024-11-25. Review status: criteria provided, single submitter. Criteria: ACMG Guidelines, 2015. Collection method: clinical testing. Allele origin: germline.

CeGaT Center for Human Genetics Tuebingen
Classification: Uncertain significance. Last evaluated: 2023-06-01. Review status: criteria provided, single submitter. Criteria: CeGaT Center For Human Genetics Tuebingen Variant Classification Criteria Version 2. Collection method: clinical testing. Allele origin: germline. Affected: yes. Observed: 1 variant allele.

Labcorp Genetics (formerly Invitae), Labcorp
Classification: Uncertain significance for MHC class II deficiency. Last evaluated: 2022-08-23. Review status: criteria provided, single submitter. Criteria: Invitae Variant Classification Sherloc (09022015). Collection method: clinical testing. Allele origin: germline.
Comment: This sequence change replaces glycine, which is neutral and non-polar, with serine, which is neutral and polar, at codon 531 of the CIITA protein (p.Gly531Ser). This variant is present in population databases (rs144646271, gnomAD 0.08%). This variant has not been reported in the literature in individuals affected with CIITA-related conditions. ClinVar contains an entry for this variant (Variation ID: 651904). Algorithms developed to predict the effect of missense changes on protein structure and function (SIFT, PolyPhen-2, Align-GVGD) all suggest that this variant is likely to be disruptive. In summary, the available evidence is currently insufficient to determine the role of this variant in disease. Therefore, it has been classified as a Variant of Uncertain Significance.

GeneDx
Classification: Uncertain significance. Last evaluated: 2022-04-29. Review status: criteria provided, single submitter. Criteria: GeneDx Variant Classification Process June 2021. Collection method: clinical testing. Allele origin: germline. Affected: yes.
Comment: In silico analysis supports that this missense variant has a deleterious effect on protein structure/function; Has not been previously published as pathogenic or benign to our knowledge

Illumina Laboratory Services, Illumina
Classification: Uncertain significance for MHC class II deficiency 1. Last evaluated: 2018-01-13. Review status: criteria provided, single submitter. Criteria: ICSL Variant Classification Criteria 13 December 2019. Collection method: clinical testing. Allele origin: germline.

Natera, Inc.
Classification: Uncertain significance for Bare lymphocyte syndrome type II. Last evaluated: 2020-09-16. Review status: no assertion criteria provided. Collection method: clinical testing. Allele origin: germline. Not counted in ClinVar's aggregate classification.

Clinical Genetics DNA and cytogenetics Diagnostics Lab, Erasmus MC, Erasmus Medical Center
Classification: Uncertain significance. Review status: no assertion criteria provided. Collection method: clinical testing. Allele origin: germline. Affected: yes. Study: VKGL Data-share Consensus. Not counted in ClinVar's aggregate classification.

Laboratory of Diagnostic Genome Analysis, Leiden University Medical Center (LUMC)
Classification: Uncertain significance. Review status: no assertion criteria provided. Collection method: clinical testing. Allele origin: germline. Affected: yes. Study: VKGL Data-share Consensus. Not counted in ClinVar's aggregate classification.

NM_000246.4(CIITA):c.1591G>A (p.Gly531Ser)

Gene: CIITA (class II major histocompatibility complex transactivator; plus strand). Cytogenetic location: 16p13.13.
Variant type: single nucleotide variant.
Coding change: c.1591G>A on transcript NM_000246.4 (MANE Select); coding-DNA position 1591, G replaced by A.
Protein change: p.Gly531Ser; replaces glycine 531 with serine.
Molecular consequence: missense variant. On other transcripts: intron variant (1).
Genome position (GRCh38, 1-based): chr16:10,907,083, G>A. VCF-style: chr16-10907083-G-A. GRCh37 (hg19) VCF-style: chr16-11000940-G-A.
Other names: c.1594G>A, p.Gly532Ser (NM_001286402.1, NM_001379332.1); c.1447G>A, p.Gly483Ser (NM_001379330.1); c.1444G>A, p.Gly482Ser (NM_001379331.1); c.1591G>A, p.Gly531Ser (NM_001379333.1); c.1522G>A, p.Gly508Ser (NM_001379334.1); c.860-1900G>A (NM_001286403.2); short protein forms G531S, G532S, G482S, G483S, G508S.
Identifiers: ClinVar variation 651904 (VCV000651904.40), dbSNP rs144646271, ClinGen allele CA7900182.